The following is an entry in ClinVar:

ClinVar aggregate classification (germline): Conflicting classifications of pathogenicity. Review status: criteria provided, conflicting classifications (1 of 4 stars). 3 submissions from 3 submitters: Pathogenic (1); Uncertain significance (2). Last evaluated 2023-10-27.

Conditions:
Platelet-type bleeding disorder 15 (BDPLT15). Also called: MACROTHROMBOCYTOPENIA, AUTOSOMAL DOMINANT, ACTN1-RELATED. Identifiers: Orphanet 140957, MedGen C3554663, MONDO:0014078, OMIM 615193.

Allele frequency attached by ClinVar (database versions not stated): TOPMed below 0.00001; gnomAD exomes 0.00001 and below 0.00001.
gnomAD v4.1: 7 of 1,613,904 alleles (0.00043%); highest among the groups gnomAD compares: East Asian, 0.0022%; no homozygotes.

Submissions (3):

Blueprint Genetics
Classification: Uncertain significance. Last evaluated: 2023-10-27. Review status: criteria provided, single submitter. Criteria: ACMG Guidelines, 2015. Collection method: clinical testing. Allele origin: germline.

GeneDx
Classification: Uncertain significance. Last evaluated: 2019-06-12. Review status: criteria provided, single submitter. Criteria: GeneDx Variant Classification Process June 2021. Collection method: clinical testing. Allele origin: germline. Affected: yes.
Comment: In silico analysis, which includes protein predictors and evolutionary conservation, supports a deleterious effect; Has not been previously published as pathogenic or benign to our knowledge

ISTH-SSC Genomics in Thrombosis and Hemostasis, KU Leuven, Center for Molecular and Vascular Biology
Classification: Pathogenic for Platelet-type bleeding disorder 15. Review status: criteria provided, single submitter. Criteria: ACMG Guidelines, 2015. Collection method: clinical testing. Allele origin: germline. Affected: yes. Observed: 1 heterozygote.
Comment: Submitted to GoldVariant by Jose María Bastida and José Rivera; Grupo Español de Alteraciones Plaquetarias Congénitas (GEAPC)

NM_001130004.2(ACTN1):c.2141G>A (p.Arg714His)

Gene: ACTN1 (actinin alpha 1; minus strand). Cytogenetic location: 14q24.1.
Variant type: single nucleotide variant.
Coding change: c.2141G>A on transcript NM_001130004.2 (MANE Select); coding-DNA position 2141, G replaced by A.
Protein change: p.Arg714His; replaces arginine 714 with histidine.
Molecular consequence: missense variant.
Genome position (GRCh38, 1-based): chr14:68,880,101, C>T on the plus strand (G>A on the coding strand, the complement: ACTN1 is on the minus strand). VCF-style: chr14-68880101-C-T. GRCh37 (hg19) VCF-style: chr14-69346818-C-T.
Other names: c.2141G>A, p.Arg714His (NM_001102.4, NM_001130005.2); short protein forms R714H.
Identifiers: ClinVar variation 1306091 (VCV001306091.5), dbSNP rs1383792017, ClinGen allele CA390181829.